The following is an entry in ClinVar:

ClinVar aggregate classification (germline): Uncertain significance (1 of 4 stars; one submission).

Conditions:
CEP290-related disorder. Also called: CEP290-related condition; CEP290-related disorders. Identifiers: MedGen CN239314.

gnomAD v4.1: 1 of 1,449,980 alleles (0.000069%); highest among the groups gnomAD compares: Admixed American, 0.0031%; no homozygotes.

Submission:

PreventionGenetics, part of Exact Sciences
Classification: Uncertain significance for CEP290-related condition. Last evaluated: 2026-01-30. Review status: criteria provided, single submitter. Criteria: ACMG Guidelines, 2015. Collection method: clinical testing. Allele origin: germline.
Comment: The CEP290 c.4814A>G variant is predicted to result in the amino acid substitution p.Asp1605Gly. To our knowledge, this variant has not been reported in the literature. This variant is reported in 0.016% of alleles in individuals of Latino descent in gnomAD. At this time, the clinical significance of this variant is uncertain due to the absence of conclusive functional and genetic evidence.

NM_025114.4(CEP290):c.4814A>G (p.Asp1605Gly)

Gene: CEP290 (centrosomal protein 290; minus strand). Cytogenetic location: 12q21.32.
Variant type: single nucleotide variant.
Coding change: c.4814A>G on transcript NM_025114.4 (MANE Select); coding-DNA position 4814, A replaced by G.
Protein change: p.Asp1605Gly; replaces aspartic acid 1605 with glycine.
Molecular consequence: missense variant.
Genome position (GRCh38, 1-based): chr12:88,083,229, T>C on the plus strand (A>G on the coding strand, the complement: CEP290 is on the minus strand). VCF-style: chr12-88083229-T-C. GRCh37 (hg19) VCF-style: chr12-88477006-T-C.
Other names: short protein forms D1605G.
Identifiers: ClinVar variation 4997608 (VCV004997608.1).